The following is an entry in ClinVar:

NM_024306.5(FA2H):c.589C>T (p.Arg197Ter)

Gene: FA2H (fatty acid 2-hydroxylase; minus strand). Cytogenetic location: 16q23.1.
Variant type: single nucleotide variant.
Coding change: c.589C>T on transcript NM_024306.5 (MANE Select); coding-DNA position 589, C replaced by T.
Protein change: p.Arg197Ter; replaces arginine 197 with a stop codon.
Molecular consequence: nonsense.
Genome position (GRCh38, 1-based): chr16:74,726,249, G>A on the plus strand (C>T on the coding strand, the complement: FA2H is on the minus strand). VCF-style: chr16-74726249-G-A. GRCh37 (hg19) VCF-style: chr16-74760147-G-A.
Other names: p.Arg197*; p. Arg197Ter; short protein forms R197*.
Identifiers: ClinVar variation 936701 (VCV000936701.11), dbSNP rs1463651673, ClinGen allele CA16609640.

ClinVar aggregate classification (germline): Pathogenic/Likely pathogenic. Review status: criteria provided, multiple submitters, no conflicts (2 of 4 stars). 5 submissions from 5 submitters: Pathogenic (4); Likely pathogenic (1). Last evaluated 2024-01-28.

Conditions:
Hereditary spastic paraplegia 35. Also called: Spastic paraplegia 35; SPASTIC PARAPLEGIA 35, AUTOSOMAL RECESSIVE, WITH OR WITHOUT NEURODEGENERATION; LEUKODYSTROPHY, DYSMYELINATING, AND SPASTIC PARAPARESIS WITH OR WITHOUT DYSTONIA; Spastic paraplegia 35, autosomal recessive. Identifiers: Orphanet 171629, MedGen C3496228, MONDO:0012866, OMIM 612319.
Spastic paraplegia. Identifiers: MedGen C0037772, HP:0001258.

Allele frequency attached by ClinVar (database versions not stated): gnomAD exomes 0.00001.
gnomAD v4.1: 11 of 1,613,514 alleles (0.00068%); highest among the groups gnomAD compares: African/African-American, 0.0027%; no homozygotes.

Submissions (5):

GeneDx
Classification: Pathogenic. Last evaluated: 2024-01-28. Review status: criteria provided, single submitter. Criteria: GeneDx Variant Classification Process June 2021. Collection method: clinical testing. Allele origin: germline. Affected: yes.
Comment: Nonsense variant predicted to result in protein truncation or nonsense mediated decay in a gene for which loss of function is a known mechanism of disease; Not observed at significant frequency in large population cohorts (gnomAD); This variant is associated with the following publications: (PMID: 20853438, 25496456, 36790591, 25732363, 26344562, 29417091)

Duke University Health System Sequencing Clinic, Duke University Health System
Classification: Pathogenic for Hereditary spastic paraplegia 35. Last evaluated: 2023-04-20. Review status: criteria provided, single submitter. Criteria: ACMG Guidelines, 2015. Collection method: research. Allele origin: biparental. Affected: yes.

Mayo Clinic Laboratories, Mayo Clinic
Classification: Likely pathogenic. Last evaluated: 2021-09-14. Review status: criteria provided, single submitter. Criteria: ACMG Guidelines, 2015. Collection method: clinical testing. Allele origin: germline.
Comment: PM2, PVS1

Labcorp Genetics (formerly Invitae), Labcorp
Classification: Pathogenic for Spastic paraplegia. Last evaluated: 2019-08-22. Review status: criteria provided, single submitter. Criteria: Invitae Variant Classification Sherloc (09022015). Collection method: clinical testing. Allele origin: germline.
Comment: This sequence change creates a premature translational stop signal (p.Arg197*) in the FA2H gene. It is expected to result in an absent or disrupted protein product. This variant is not present in population databases (ExAC no frequency). This variant has not been reported in the literature in individuals with FA2H-related conditions. Loss-of-function variants in FA2H are known to be pathogenic (PMID: 20853438, 25496456, 25732363, 26344562). For these reasons, this variant has been classified as Pathogenic.

Department of Medical Genetics, Sanjay Gandhi Post Graduate Institute of Medical Sciences
Classification: Pathogenic for Hereditary spastic paraplegia 35. Review status: criteria provided, single submitter. Criteria: ACMG Guidelines, 2015. Collection method: research. Allele origin: germline. Inheritance: Autosomal recessive inheritance. Affected: yes. Observed: 1 homozygote.
Comment: The variant was detected in the homozygous state and is classified as pathogenic as per ACMG-AMP criteria (PVS1, PM3, PM2, PP5)

Literature cited by the submitters: PubMed 20853438 (cited by Labcorp Genetics (formerly Invitae), Labcorp); PubMed 25496456 (cited by Labcorp Genetics (formerly Invitae), Labcorp and Department of Medical Genetics, Sanjay Gandhi Post Graduate Institute of Medical Sciences); PubMed 25732363 (cited by Labcorp Genetics (formerly Invitae), Labcorp); PubMed 26344562 (cited by Labcorp Genetics (formerly Invitae), Labcorp and Department of Medical Genetics, Sanjay Gandhi Post Graduate Institute of Medical Sciences); PubMed 36790591 (cited by Department of Medical Genetics, Sanjay Gandhi Post Graduate Institute of Medical Sciences).